The following is an entry in ClinVar:

ClinVar aggregate classification (germline): Pathogenic. Review status: criteria provided, single submitter (1 of 4 stars). 2 submissions from 2 submitters: Pathogenic (1). 1 of the submissions does not count toward it. Last evaluated 2026-08-12.

Conditions:
Developmental delay with autism spectrum disorder and gait instability (MRT38). Also called: Intellectual developmental disorder, autosomal recessive 38. Identifiers: Orphanet 329195, MedGen C3809753, MONDO:0014224, OMIM 615516.

Allele frequency attached by ClinVar (database versions not stated): gnomAD exomes below 0.00001; gnomAD 0.00001; TOPMed 0.00001.
gnomAD v4.1: 2 of 1,614,062 alleles (0.00012%); highest among the groups gnomAD compares: Non-Finnish European, 0.00017%; no homozygotes.

Submissions (2):

Clinical and Biomedical Sciences, University of Exeter
Classification: Pathogenic for Developmental delay with autism spectrum disorder and gait instability. Last evaluated: 2026-08-12. Review status: criteria provided, single submitter. Criteria: ACMG Guidelines, 2015. Collection method: research. Allele origin: biparental. Inheritance: Autosomal recessive inheritance. Affected: yes.
Comment: This missense change represents a founder variant in the Amish/Mennonite communities of North America. 7 affected individuals with this variant were reported by PMID: 23065719 in 2012, subsequently, 15 affected individuals were described in PMID: 23243086 in 2013. Studies in patient fibroblasts showed a dramatic reduction in HERC2 protein levels due to protein instability. In-silico prediction tools predict that this variant is likely to be deleterious. The variant is present at very low allele frequency in gnomAD v4, and only in heterozygous state.

OMIM
Classification: Pathogenic for INTELLECTUAL DEVELOPMENTAL DISORDER, AUTOSOMAL RECESSIVE 38. Last evaluated: 2013-02-01. Review status: no assertion criteria provided. Collection method: literature only. Allele origin: germline. Not counted in ClinVar's aggregate classification.

Literature cited by the submitters: PubMed 23065719 (cited by Clinical and Biomedical Sciences, University of Exeter and OMIM); PubMed 23243086 (cited by Clinical and Biomedical Sciences, University of Exeter and OMIM).

NM_004667.6(HERC2):c.1781C>T (p.Pro594Leu)

Gene: HERC2 (HECT and RLD domain containing E3 ubiquitin protein ligase 2; minus strand). Cytogenetic location: 15q13.1.
Variant type: single nucleotide variant.
Coding change: c.1781C>T on transcript NM_004667.6 (MANE Select); coding-DNA position 1781, C replaced by T.
Protein change: p.Pro594Leu; replaces proline 594 with leucine.
Molecular consequence: missense variant.
Genome position (GRCh38, 1-based): chr15:28,265,707, G>A on the plus strand (C>T on the coding strand, the complement: HERC2 is on the minus strand). VCF-style: chr15-28265707-G-A. GRCh37 (hg19) VCF-style: chr15-28510853-G-A.
Other names: short protein forms P594L.
Identifiers: ClinVar variation 88738 (VCV000088738.3), dbSNP rs397518474, ClinGen allele CA145326.